The following is an entry in ClinVar:

ClinVar aggregate classification (germline): Benign/Likely benign. Review status: criteria provided, multiple submitters, no conflicts (2 of 4 stars). 7 submissions from 7 submitters: Benign (1); Likely benign (4). 2 of the submissions do not count toward it. Last evaluated 2023-07-07.

Conditions:
BRCA2-related disorder. Also called: BRCA2-related condition; BRCA2-related disorders. Identifiers: MedGen CN239275.
Hereditary breast ovarian cancer syndrome. Also called: Hereditary breast and ovarian cancer; Hereditary breast and/or ovarian cancer syndrome; Hereditary breast and ovarian cancer syndrome (HBOC); Breast and ovarian cancer; BRCA1- and BRCA2-Associated Hereditary Breast and Ovarian Cancer; Hereditary breast and ovarian cancer syndrome. Identifiers: Orphanet 145, MedGen C0677776, MeSH D061325, MONDO:0003582. Disease mechanism: loss of function.
Hereditary cancer-predisposing syndrome. Also called: Tumor predisposition; Hereditary Cancer Syndrome; Hereditary neoplastic syndrome; Neoplastic Syndromes, Hereditary. Identifiers: Orphanet 140162, MedGen C0027672, MeSH D009386, MONDO:0015356.
Breast-ovarian cancer, familial, susceptibility to, 2 (BROVCA2). Also called: BRCA2 Hereditary Breast and Ovarian Cancer. Identifiers: Orphanet 145, MedGen C2675520, MONDO:0012933, OMIM 612555. Disease mechanism: loss of function.

Allele frequency attached by ClinVar (database versions not stated): 1000 Genomes Project 30x 0.00172; gnomAD exomes 0.00009 and 0.00022; ExAC 0.00031; ESP Exome Variant Server 0.00085; gnomAD 0.00094 and 0.00103; TOPMed 0.00100; 1000 Genomes Project 0.00140.
gnomAD v4.1: 288 of 1,607,866 alleles (0.018%); highest among the groups gnomAD compares: African/African-American, 0.32%; 1 homozygote.

Submissions (7):

KCCC/NGS Laboratory, Kuwait Cancer Control Center
Classification: Likely benign for Breast-ovarian cancer, familial, susceptibility to, 2. Last evaluated: 2023-07-07. Review status: criteria provided, single submitter. Criteria: ACMG Guidelines, 2015. Collection method: clinical testing. Allele origin: germline. Affected: yes.

National Health Laboratory Service, Universitas Academic Hospital and University of the Free State
Classification: Benign for Hereditary breast ovarian cancer syndrome. Last evaluated: 2021-11-16. Review status: criteria provided, single submitter. Criteria: ACMG Guidelines, 2015. Collection method: clinical testing. Allele origin: germline. Affected: yes. Observed: 1 variant allele.

Mendelics
Classification: Likely benign for Breast-ovarian cancer, familial, susceptibility to, 2. Last evaluated: 2019-05-28. Review status: criteria provided, single submitter. Criteria: Mendelics Assertion Criteria 2017. Collection method: clinical testing. Allele origin: unknown.

Department of Pathology and Laboratory Medicine, Sinai Health System
Classification: Likely benign. Last evaluated: 2017-10-25. Review status: criteria provided, single submitter. Criteria: ACMG Guidelines, 2015. Collection method: clinical testing. Allele origin: germline. Affected: yes. Study: Canadian Open Genetics Repository (COGR).

Institute for Biomarker Research, Medical Diagnostic Laboratories, L.L.C.
Classification: Likely benign for Hereditary cancer-predisposing syndrome. Last evaluated: 2017-07-12. Review status: criteria provided, single submitter. Criteria: ACMG Guidelines, 2015. Collection method: clinical testing. Allele origin: germline.

PreventionGenetics, part of Exact Sciences
Classification: Likely benign for BRCA2-related condition. Last evaluated: 2022-02-10. Review status: no assertion criteria provided. Collection method: clinical testing. Allele origin: germline. Not counted in ClinVar's aggregate classification.
Comment: This variant is classified as likely benign based on ACMG/AMP sequence variant interpretation guidelines (Richards et al. 2015 PMID: 25741868, with internal and published modifications).

Counsyl
Classification: Likely benign for Breast-ovarian cancer, familial, susceptibility to, 2. Last evaluated: 2016-06-20. Review status: no assertion criteria provided. Collection method: clinical testing. Allele origin: unknown. Not counted in ClinVar's aggregate classification.

Literature cited by the submitters: DOI 10.3389/fgene.2022.834265 (cited by National Health Laboratory Service, Universitas Academic Hospital and University of the Free State).

NM_000059.4(BRCA2):c.7805+23G>A

Gene: BRCA2 (BRCA2 DNA repair associated; plus strand). Cytogenetic location: 13q13.1.
Variant type: single nucleotide variant.
Coding change: c.7805+23G>A on transcript NM_000059.4 (MANE Select); 23 bases into the intron after coding-DNA position 7805, G replaced by A.
Molecular consequence: intron variant.
Genome position (GRCh38, 1-based): chr13:32,357,952, G>A. VCF-style: chr13-32357952-G-A. GRCh37 (hg19) VCF-style: chr13-32932089-G-A.
Identifiers: ClinVar variation 371870 (VCV000371870.25), dbSNP rs113653200, ClinGen allele CA6941142.